The following is an entry in ClinVar:

ClinVar aggregate classification (germline): Uncertain significance (1 of 4 stars; one submission).

Allele frequency attached by ClinVar (database versions not stated): ExAC 0.00001; gnomAD 0.00001; gnomAD exomes 0.00001; TOPMed 0.00001.

Submission:

Labcorp Genetics (formerly Invitae), Labcorp
Classification: Uncertain significance. Last evaluated: 2022-11-08. Review status: criteria provided, single submitter. Criteria: Invitae Variant Classification Sherloc (09022015). Collection method: clinical testing. Allele origin: germline.
Comment: This variant is present in population databases (rs752988845, gnomAD 0.002%). This sequence change replaces glutamic acid, which is acidic and polar, with valine, which is neutral and non-polar, at codon 493 of the PAX1 protein (p.Glu493Val). In summary, the available evidence is currently insufficient to determine the role of this variant in disease. Therefore, it has been classified as a Variant of Uncertain Significance. Algorithms developed to predict the effect of missense changes on protein structure and function (SIFT, PolyPhen-2, Align-GVGD) all suggest that this variant is likely to be tolerated. This variant has not been reported in the literature in individuals affected with PAX1-related conditions.

NM_001257096.2(PAX1):c.*114A>T

Gene: PAX1 (paired box 1; plus strand). Cytogenetic location: 20p11.22.
Variant type: single nucleotide variant.
Coding change: c.*114A>T on transcript NM_001257096.2 (MANE Select); 114 bases downstream of the stop codon, A replaced by T.
Molecular consequence: 3 prime UTR variant. On other transcripts: missense variant (1).
Genome position (GRCh38, 1-based): chr20:21,714,676, A>T. VCF-style: chr20-21714676-A-T. GRCh37 (hg19) VCF-style: chr20-21695314-A-T.
Other names: c.1478A>T, p.Glu493Val (NM_006192.5); short protein forms E493V.
Identifiers: ClinVar variation 1960509 (VCV001960509.5), dbSNP rs752988845, ClinGen allele CA9786799.
Genomic context (GRCh38, chr20:21,714,676, plus strand): 5'-CACAGGTCTGCGCGGCGGCCCCGGCAATCGGCACGGGCAGGATCGGAGGACTCGCGGAGG[A>T]GGAAGCCAGTGCCGGCCCGCGGGGTGCACGCCCAGCCAGCCCCCAGGCCCAGCCCTGCCT-3'